The following is an entry in ClinVar:

ClinVar aggregate classification (germline): Likely pathogenic (1 of 4 stars; one submission).

Conditions:
Conotruncal heart malformations (CTHM). Also called: Conotruncal heart malformations, variable. Identifiers: Orphanet 2445, Orphanet 3384, Orphanet 3426, MedGen C1857586, MONDO:0016581, OMIM 217095.
Heart defects, congenital, and other congenital anomalies. Also called: PANCREATIC HYPOPLASIA, CONGENITAL, WITH DIABETES MELLITUS AND CONGENITAL HEART DISEASE; Pancreatic hypoplasia-diabetes-congenital heart disease syndrome. Identifiers: Orphanet 2255, MedGen C2931296, MONDO:0010802, OMIM 600001.
Tetralogy of Fallot (TOF). Identifiers: Orphanet 3303, MedGen C0039685, MONDO:0008542, OMIM 187500, HP:0001636.
Atrioventricular septal defect 5 (AVSD5). Identifiers: MedGen C3280939, MONDO:0013769, OMIM 614474.
Atrial septal defect 9 (ASD9). Identifiers: Orphanet 1478, MedGen C3280943, MONDO:0013770, OMIM 614475.

Submission:

Juno Genomics, Hangzhou Juno Genomics, Inc
Classification: Likely pathogenic for Atrial septal defect 9; Atrioventricular septal defect 5; Heart defects, congenital, and other congenital anomalies; Conotruncal heart malformations; Tetralogy of Fallot. Review status: criteria provided, single submitter. Criteria: ACMG Guidelines, 2015. Collection method: clinical testing. Allele origin: germline. Affected: yes.
Comment: Absent from controls (or at extremely low frequency if recessive) in Genome Aggregation Database.;Null variant in a gene where loss of function (LOF) is a known mechanism of disease.

NM_005257.6(GATA6):c.1135+1G>T

Gene: GATA6 (GATA binding protein 6; plus strand). Cytogenetic location: 18q11.2.
Variant type: single nucleotide variant.
Coding change: c.1135+1G>T on transcript NM_005257.6 (MANE Select); the canonical splice donor site of the intron after coding-DNA position 1135, G replaced by T.
Molecular consequence: splice donor variant.
Genome position (GRCh38, 1-based): chr18:22,172,280, G>T. VCF-style: chr18-22172280-G-T. GRCh37 (hg19) VCF-style: chr18-19752241-G-T.
Identifiers: ClinVar variation 5019542 (VCV005019542.1).